The following is an entry in ClinVar:

NM_198578.4(LRRK2):c.7296C>G (p.Gly2432=)

Gene: LRRK2 (leucine rich repeat kinase 2; plus strand). Cytogenetic location: 12q12.
Variant type: single nucleotide variant.
Coding change: c.7296C>G on transcript NM_198578.4 (MANE Select); coding-DNA position 7296, C replaced by G.
Protein change: p.Gly2432=; no amino-acid change (glycine 2432 retained).
Molecular consequence: synonymous variant.
Genome position (GRCh38, 1-based): chr12:40,364,956, C>G. VCF-style: chr12-40364956-C-G. GRCh37 (hg19) VCF-style: chr12-40758758-C-G.
Identifiers: ClinVar variation 465217 (VCV000465217.17), dbSNP rs199964631, ClinGen allele CA6514892.
Genomic context (GRCh38, chr12:40,364,956, plus strand): 5'-GAGAGTGAAAACCCTCTGCCTTCAGAAGAACACTGCTCTTTGGATAGGAACTGGAGGAGG[C>G]CATATTTTACTCCTGGATCTTTCAACTCGTCGACTTATACGTGTAATTTACAACTTTTGT-3'
Protein context (NP_940980.4, residues 2422-2442): NTALWIGTGG[Gly2432=]HILLLDLSTR

ClinVar aggregate classification (germline): Conflicting classifications of pathogenicity. Review status: criteria provided, conflicting classifications (1 of 4 stars). 4 submissions from 4 submitters: Uncertain significance (1); Likely benign (3). Last evaluated 2025-04-30.

Conditions:
Inborn genetic diseases. Identifiers: MedGen C0950123, MeSH D030342.
Autosomal dominant Parkinson disease 8. Also called: LRRK2-Related Parkinson Disease; Parkinson disease 8; Parkinson disease 8, susceptibility to. Identifiers: Orphanet 411602, MedGen C1846862, MONDO:0011764, OMIM 607060.

Allele frequency attached by ClinVar (database versions not stated): TOPMed 0.00014; ESP Exome Variant Server 0.00023.
gnomAD v4.1: 150 of 1,612,370 alleles (0.0093%); highest among the groups gnomAD compares: Non-Finnish European, 0.011%; no homozygotes.

Submissions (4):

Labcorp Genetics (formerly Invitae), Labcorp
Classification: Likely benign for Autosomal dominant Parkinson disease 8. Last evaluated: 2025-04-30. Review status: criteria provided, single submitter. Criteria: Invitae Variant Classification Sherloc (09022015). Collection method: clinical testing. Allele origin: germline.

Blueprint Genetics
Classification: Likely benign. Last evaluated: 2024-10-25. Review status: criteria provided, single submitter. Criteria: ACMG Guidelines, 2015. Collection method: clinical testing. Allele origin: germline.

Ambry Genetics
Classification: Likely benign for Inborn genetic diseases. Last evaluated: 2022-02-12. Review status: criteria provided, single submitter. Criteria: Ambry Variant Classification Scheme 2023. Collection method: clinical testing. Allele origin: germline.

Illumina Laboratory Services, Illumina
Classification: Uncertain significance for Autosomal dominant Parkinson disease 8. Last evaluated: 2017-04-28. Review status: criteria provided, single submitter. Criteria: ICSL Variant Classification Criteria 13 December 2019. Collection method: clinical testing. Allele origin: germline.
Comment: This variant was observed as part of a predisposition screen in an ostensibly healthy population. A literature search was performed for the gene, cDNA change, and amino acid change (where applicable). Publications were found based on this search. However, the evidence from the literature, in combination with allele frequency data from public databases where available, was not sufficient to rule this variant in or out of causing disease. Therefore, this variant is classified as a variant of unknown significance.

Literature cited by the submitters: PubMed 19489756 (cited by Illumina Laboratory Services, Illumina); PubMed 18213618 (cited by Illumina Laboratory Services, Illumina).